The following is an entry in ClinVar:

NM_001130438.3(SPTAN1):c.226A>G (p.Thr76Ala)

Gene: SPTAN1 (spectrin alpha, non-erythrocytic 1; plus strand). Cytogenetic location: 9q34.11.
Variant type: single nucleotide variant.
Coding change: c.226A>G on transcript NM_001130438.3 (MANE Select); coding-DNA position 226, A replaced by G.
Protein change: p.Thr76Ala; replaces threonine 76 with alanine.
Molecular consequence: missense variant.
Genome position (GRCh38, 1-based): chr9:128,566,966, A>G. VCF-style: chr9-128566966-A-G. GRCh37 (hg19) VCF-style: chr9-131329245-A-G.
Other names: c.226A>G, p.Thr76Ala (NM_001195532.2, NM_001363759.2, NM_001363765.2 and 5 more transcripts); c.262A>G, p.Thr88Ala (NM_001375312.2, NM_001375318.1); short protein forms T76A, T88A.
Identifiers: ClinVar variation 1676409 (VCV001676409.26), dbSNP rs753016149, ClinGen allele CA5264114.

ClinVar aggregate classification (germline): Uncertain significance. Review status: criteria provided, multiple submitters, no conflicts (2 of 4 stars). 2 submissions from 2 submitters: Uncertain significance (2). Last evaluated 2026-02-01.

Submissions (2):

CeGaT Center for Human Genetics Tuebingen
Classification: Uncertain significance. Last evaluated: 2026-02-01. Review status: criteria provided, single submitter. Criteria: CeGaT Center For Human Genetics Tuebingen Variant Classification Criteria Version 2. Collection method: clinical testing. Allele origin: germline. Affected: yes. Observed: 1 variant allele.
Comment: SPTAN1: PM2, PP2

GeneDx
Classification: Uncertain significance. Last evaluated: 2021-10-05. Review status: criteria provided, single submitter. Criteria: GeneDx Variant Classification Process June 2021. Collection method: clinical testing. Allele origin: germline. Affected: yes.
Comment: In silico analysis supports that this missense variant has a deleterious effect on protein structure/function; Has not been previously published as pathogenic or benign to our knowledge